The following is an entry in ClinVar:

NM_203447.4(DOCK8):c.1618C>T (p.Pro540Ser)

Gene: DOCK8 (dedicator of cytokinesis 8; plus strand). Cytogenetic location: 9p24.3.
Variant type: single nucleotide variant.
Coding change: c.1618C>T on transcript NM_203447.4 (MANE Select); coding-DNA position 1618, C replaced by T.
Protein change: p.Pro540Ser; replaces proline 540 with serine.
Molecular consequence: missense variant.
Genome position (GRCh38, 1-based): chr9:340,260, C>T. VCF-style: chr9-340260-C-T. GRCh37 (hg19) VCF-style: chr9-340260-C-T.
Other names: c.1414C>T, p.Pro472Ser (NM_001190458.2, NM_001193536.2); short protein forms P472S, P540S.
Identifiers: ClinVar variation 2187344 (VCV002187344.3), dbSNP rs750221727, ClinGen allele CA4957805.

ClinVar aggregate classification (germline): Uncertain significance (1 of 4 stars; one submission).

Allele frequency attached by ClinVar (database versions not stated): ExAC 0.00008; TOPMed below 0.00001; gnomAD 0.00002.
gnomAD v4.1: 42 of 1,614,022 alleles (0.0026%); highest among the groups gnomAD compares: South Asian, 0.044%; no homozygotes.

Submission:

Labcorp Genetics (formerly Invitae), Labcorp
Classification: Uncertain significance for Combined immunodeficiency due to DOCK8 deficiency. Last evaluated: 2022-03-12. Review status: criteria provided, single submitter. Criteria: Invitae Variant Classification Sherloc (09022015). Collection method: clinical testing. Allele origin: germline.
Comment: This variant is present in population databases (rs750221727, gnomAD 0.05%). This sequence change replaces proline, which is neutral and non-polar, with serine, which is neutral and polar, at codon 540 of the DOCK8 protein (p.Pro540Ser). This variant has not been reported in the literature in individuals affected with DOCK8-related conditions. Algorithms developed to predict the effect of missense changes on protein structure and function are either unavailable or do not agree on the potential impact of this missense change (SIFT: "Tolerated"; PolyPhen-2: "Possibly Damaging"; Align-GVGD: "Class C15"). In summary, the available evidence is currently insufficient to determine the role of this variant in disease. Therefore, it has been classified as a Variant of Uncertain Significance.